The following is an entry in ClinVar:

NM_002666.5(PLIN1):c.1206G>A (p.Val402=)

Gene: PLIN1 (perilipin 1; minus strand). Cytogenetic location: 15q26.1.
Variant type: single nucleotide variant.
Coding change: c.1206G>A on transcript NM_002666.5 (MANE Select); coding-DNA position 1206, G replaced by A.
Protein change: p.Val402=; no amino-acid change (valine 402 retained).
Molecular consequence: synonymous variant.
Genome position (GRCh38, 1-based): chr15:89,666,939, C>T on the plus strand (G>A on the coding strand, the complement: PLIN1 is on the minus strand). VCF-style: chr15-89666939-C-T. GRCh37 (hg19) VCF-style: chr15-90210170-C-T.
Other names: c.1206G>A, p.Val402= (NM_001145311.2).
Identifiers: ClinVar variation 3051345 (VCV003051345.3), dbSNP rs756116966, ClinGen allele CA7728766.

ClinVar aggregate classification (germline): Likely benign. Review status: criteria provided, single submitter (1 of 4 stars). 2 submissions from 2 submitters: Likely benign (1). 1 of the submissions does not count toward it. Last evaluated 2026-04-24.

Conditions:
PLIN1-related disorder. Also called: PLIN1-related condition.

Allele frequency attached by ClinVar (database versions not stated): ExAC 0.00025; TOPMed 0.00001; gnomAD 0.00005; gnomAD exomes 0.00012.
gnomAD v4.1: 182 of 1,613,978 alleles (0.011%); highest among the groups gnomAD compares: South Asian, 0.17%; 4 homozygotes.

Submissions (2):

Women's Health and Genetics/Laboratory Corporation of America, LabCorp
Classification: Likely benign. Last evaluated: 2026-04-24. Review status: criteria provided, single submitter. Criteria: LabCorp Variant Classification Summary - May 2015. Collection method: clinical testing. Allele origin: germline.

PreventionGenetics, part of Exact Sciences
Classification: Likely benign for PLIN1-related condition. Last evaluated: 2019-04-10. Review status: no assertion criteria provided. Collection method: clinical testing. Allele origin: germline. Not counted in ClinVar's aggregate classification.
Comment: This variant is classified as likely benign based on ACMG/AMP sequence variant interpretation guidelines (Richards et al. 2015 PMID: 25741868, with internal and published modifications).